The following is an entry in ClinVar:

NM_080632.3(UPF3B):c.1263_1265del (p.Lys422del)

Gene: UPF3B (UPF3B regulator of nonsense mediated mRNA decay; minus strand). Cytogenetic location: Xq24.
Variant type: Deletion.
Coding change: c.1263_1265del on transcript NM_080632.3 (MANE Select); coding-DNA positions 1263 to 1265, 3 bases deleted (GAA; older notation c.1263_1265delGAA).
Protein change: p.Lys422del; deletes lysine 422.
Molecular consequence: inframe deletion.
Genome position (GRCh38, 1-based): chrX:119,837,794-119,837,796, TTC deleted on the plus strand (GAA on the coding strand, the reverse complement: UPF3B is on the minus strand); deleting any 3 consecutive bases within chrX:119,837,794-119,837,798 gives the same sequence; the c. name uses the placement nearest the transcript's 3' end. VCF-style (leftmost placement, unchanged base first): chrX-119837793-TTTC-T. GRCh37 (hg19) VCF-style: chrX-118971756-TTTC-T.
Other names: c.1224_1226del, p.Lys409del (NM_023010.4); short protein forms K409del, K422del.
Identifiers: ClinVar variation 2661306 (VCV002661306.24), dbSNP rs2521509229, ClinGen allele CA2695197180.

ClinVar aggregate classification (germline): Uncertain significance (1 of 4 stars; one submission).

Submission:

CeGaT Center for Human Genetics Tuebingen
Classification: Uncertain significance. Last evaluated: 2023-04-01. Review status: criteria provided, single submitter. Criteria: CeGaT Center For Human Genetics Tuebingen Variant Classification Criteria Version 2. Collection method: clinical testing. Allele origin: germline. Affected: yes. Observed: 1 variant allele.
Comment: UPF3B: PM2, PM4:Supporting